The following is an entry in ClinVar:

NM_000384.3(APOB):c.11123T>G (p.Phe3708Cys)

Gene: APOB (apolipoprotein B; minus strand). Cytogenetic location: 2p24.1.
Variant type: single nucleotide variant.
Coding change: c.11123T>G on transcript NM_000384.3 (MANE Select); coding-DNA position 11123, T replaced by G.
Protein change: p.Phe3708Cys; replaces phenylalanine 3708 with cysteine.
Molecular consequence: missense variant.
Genome position (GRCh38, 1-based): chr2:21,005,745, A>C on the plus strand (T>G on the coding strand, the complement: APOB is on the minus strand). VCF-style: chr2-21005745-A-C. GRCh37 (hg19) VCF-style: chr2-21228617-A-C.
Other names: c.11123T>G (NM_000384.2); short protein forms F3708C.
Identifiers: ClinVar variation 5026954 (VCV005026954.1), dbSNP rs1572777802.

ClinVar aggregate classification (germline): Uncertain significance (1 of 4 stars; one submission).

Conditions:
Cardiovascular phenotype. Identifiers: MedGen CN230736.

Submission:

Ambry Genetics
Classification: Uncertain significance for Cardiovascular phenotype. Last evaluated: 2026-07-01. Review status: criteria provided, single submitter. Criteria: Ambry Variant Classification Scheme 2023. Collection method: clinical testing. Allele origin: germline.
Comment: The p.F3708C variant (also known as c.11123T>G), located in coding exon 26 of the APOB gene, results from a T to G substitution at nucleotide position 11123. The phenylalanine at codon 3708 is replaced by cysteine, an amino acid with highly dissimilar properties. This amino acid position is conserved. In addition, this alteration is predicted to be tolerated by in silico analysis. Based on the available evidence, the clinical significance of this variant remains unclear.